The following is an entry in ClinVar:

NM_194454.3(KRIT1):c.1890G>A (p.Trp630Ter)

Gene: KRIT1 (KRIT1 ankyrin repeat containing; minus strand). Cytogenetic location: 7q21.2.
Variant type: single nucleotide variant.
Coding change: c.1890G>A on transcript NM_194454.3 (MANE Select); coding-DNA position 1890, G replaced by A.
Protein change: p.Trp630Ter; replaces tryptophan 630 with a stop codon.
Molecular consequence: nonsense.
Genome position (GRCh38, 1-based): chr7:92,213,330, C>T on the plus strand (G>A on the coding strand, the complement: KRIT1 is on the minus strand). VCF-style: chr7-92213330-C-T. GRCh37 (hg19) VCF-style: chr7-91842644-C-T.
Other names: c.1890G>A, p.Trp630Ter (NM_001350676.1, NM_001350677.1, NM_001350678.1 and 26 more transcripts); c.1746G>A, p.Trp582Ter (NM_001013406.2, NM_001350669.1, NM_001350670.1); c.1176G>A, p.Trp392Ter (NM_001350671.1); short protein forms W630*, W392*, W582*.
Identifiers: ClinVar variation 439854 (VCV000439854.15), dbSNP rs1554503009, ClinGen allele CA368140091.
Genomic context (GRCh38, chr7:92,213,330, plus strand): 5'-GGGGCTTGCCTTTGTAAATATCTGTCCTGTGAAAAATGCTGCTCCATAAGTAGGAATTTC[C>T]CAGCAATTCTGTAAGAACATGCGCTGAAGGTGATGCATTTCTTTACTGACACCTTCACTT-3'

ClinVar aggregate classification (germline): Pathogenic. Review status: criteria provided, multiple submitters, no conflicts (2 of 4 stars). 3 submissions from 3 submitters: Pathogenic (3). Last evaluated 2026-01-07.

Conditions:
Cerebral cavernous malformation (CCM). Also called: Cerebral cavernous hemangioma (type); Cerebral cavernous malformations; CAVERNOUS ANGIOMA, FAMILIAL; CAVERNOUS ANGIOMATOUS MALFORMATIONS; CEREBRAL CAPILLARY MALFORMATIONS; Cavernous Hemangioma of Brain. Identifiers: Orphanet 221061, MedGen C2919945, MONDO:0000820, OMIM 116860, HP:0033522.

Submissions (3):

Labcorp Genetics (formerly Invitae), Labcorp
Classification: Pathogenic for Cerebral cavernous malformation. Last evaluated: 2026-01-07. Review status: criteria provided, single submitter. Criteria: Invitae Variant Classification Sherloc (09022015). Collection method: clinical testing. Allele origin: germline.
Comment: This sequence change creates a premature translational stop signal (p.Trp630*) in the KRIT1 gene. It is expected to result in an absent or disrupted protein product. Loss-of-function variants in KRIT1 are known to be pathogenic (PMID: 10508515, 11222804, 12404106, 24689081). This variant is not present in population databases (gnomAD no frequency). This premature translational stop signal has been observed in individual(s) with cerebral cavernous malformations (PMID: 11914398). ClinVar contains an entry for this variant (Variation ID: 439854). For these reasons, this variant has been classified as Pathogenic.

GeneDx
Classification: Pathogenic. Last evaluated: 2024-10-21. Review status: criteria provided, single submitter. Criteria: GeneDx Variant Classification Process June 2021. Collection method: clinical testing. Allele origin: germline. Affected: yes.
Comment: Identified in patients with sporadic and family cases of cerebral cavernous malformations referred for genetic testing at GeneDx and in published literature (PMID: 11914398, 27153162); Nonsense variant predicted to result in protein truncation or nonsense mediated decay in a gene for which loss of function is a known mechanism of disease; Not observed at significant frequency in large population cohorts (gnomAD); This variant is associated with the following publications: (PMID: 25525159, 27153162, 11914398, 24698976)

ARUP Laboratories, Molecular Genetics and Genomics, ARUP Laboratories
Classification: Pathogenic. Last evaluated: 2016-12-15. Review status: criteria provided, single submitter. Criteria: ARUP Molecular Germline Variant Investigation Process. Collection method: clinical testing. Allele origin: germline.

Literature cited by the submitters: PubMed 10508515 (cited by Labcorp Genetics (formerly Invitae), Labcorp); PubMed 11222804 (cited by Labcorp Genetics (formerly Invitae), Labcorp); PubMed 12404106 (cited by Labcorp Genetics (formerly Invitae), Labcorp); PubMed 24689081 (cited by Labcorp Genetics (formerly Invitae), Labcorp); PubMed 11914398 (cited by Labcorp Genetics (formerly Invitae), Labcorp).